The following is an entry in ClinVar:

NM_001085411.3(NADK2):c.611A>G (p.Glu204Gly)

Gene: NADK2 (NAD kinase 2, mitochondrial; minus strand). Cytogenetic location: 5p13.2.
Variant type: single nucleotide variant.
Coding change: c.611A>G on transcript NM_001085411.3 (MANE Select); coding-DNA position 611, A replaced by G.
Protein change: p.Glu204Gly; replaces glutamic acid 204 with glycine.
Molecular consequence: missense variant.
Genome position (GRCh38, 1-based): chr5:36,219,629, T>C on the plus strand (A>G on the coding strand, the complement: NADK2 is on the minus strand). VCF-style: chr5-36219629-T-C. GRCh37 (hg19) VCF-style: chr5-36219731-T-C.
Other names: c.122A>G, p.Glu41Gly (NM_001287340.2, NM_001287341.2, NM_153013.5); c.611A>G (NM_001085411.1); short protein forms E204G, E41G.
Identifiers: ClinVar variation 2067087 (VCV002067087.4), dbSNP rs747576622, ClinGen allele CA3234675.

ClinVar aggregate classification (germline): Uncertain significance. Review status: criteria provided, multiple submitters, no conflicts (2 of 4 stars). 2 submissions from 2 submitters: Uncertain significance (2). Last evaluated 2025-08-22.

Conditions:
Inborn genetic diseases. Identifiers: MedGen C0950123, MeSH D030342.
Progressive encephalopathy with leukodystrophy due to DECR deficiency. Identifiers: Orphanet 431361, MedGen C1857252, MONDO:0014464, OMIM 616034.

Allele frequency attached by ClinVar (database versions not stated): ExAC 0.00002; gnomAD 0.00003; gnomAD exomes 0.00003; TOPMed 0.00003.
gnomAD v4.1: 21 of 1,613,938 alleles (0.0013%); highest among the groups gnomAD compares: Admixed American, 0.028%; no homozygotes.

Submissions (2):

Ambry Genetics
Classification: Uncertain significance for Inborn genetic diseases. Last evaluated: 2025-08-22. Review status: criteria provided, single submitter. Criteria: Ambry Variant Classification Scheme 2023. Collection method: clinical testing. Allele origin: germline.

Labcorp Genetics (formerly Invitae), Labcorp
Classification: Uncertain significance for Progressive encephalopathy with leukodystrophy due to DECR deficiency. Last evaluated: 2025-06-27. Review status: criteria provided, single submitter. Criteria: Invitae Variant Classification Sherloc (09022015). Collection method: clinical testing. Allele origin: germline.
Comment: This sequence change replaces glutamic acid, which is acidic and polar, with glycine, which is neutral and non-polar, at codon 204 of the NADK2 protein (p.Glu204Gly). This variant is present in population databases (rs747576622, gnomAD 0.04%). This variant has not been reported in the literature in individuals affected with NADK2-related conditions. ClinVar contains an entry for this variant (Variation ID: 2067087). Invitae Evidence Modeling of protein sequence and biophysical properties (such as structural, functional, and spatial information, amino acid conservation, physicochemical variation, residue mobility, and thermodynamic stability) indicates that this missense variant is not expected to disrupt NADK2 protein function with a negative predictive value of 80%. In summary, the available evidence is currently insufficient to determine the role of this variant in disease. Therefore, it has been classified as a Variant of Uncertain Significance.